The following is an entry in ClinVar:

NM_001267550.2(TTN):c.59109_59112dup (p.Arg19705fs)

Genes: TTN (titin; minus strand), TTN-AS1 (TTN antisense RNA 1; plus strand). Cytogenetic location: 2q31.2.
Variant type: Duplication.
Coding change: c.59109_59112dup on transcript NM_001267550.2 (MANE Select); coding-DNA positions 59109 to 59112, 4 bases duplicated (ACCA; older notation c.59109_59112dupACCA).
Protein change: p.Arg19705fs; shifts the reading frame from arginine 19705.
Molecular consequence: frameshift variant.
Genome position (GRCh38, 1-based): chr2:178,593,007-178,593,010, TGGT duplicated on the plus strand (ACCA on the coding strand, the reverse complement: TTN is on the minus strand). VCF-style (leftmost placement, unchanged base first): chr2-178593006-G-GTGGT. GRCh37 (hg19) VCF-style: chr2-179457733-G-GTGGT.
Other names: c.54186_54189dup, p.Arg18064fs (NM_001256850.1); c.31914_31917dup, p.Arg10640fs (NM_003319.4); c.51405_51408dup, p.Arg17137fs (NM_133378.4); c.32289_32292dup, p.Arg10765fs (NM_133432.3); c.32490_32493dup, p.Arg10832fs (NM_133437.4); c.59109_59112dupACCA (NM_001267550.2); short protein forms R10832fs, R19705fs, R10640fs, R10765fs, R17137fs, R18064fs.
Identifiers: ClinVar variation 404916 (VCV000404916.10), dbSNP rs1553648246, ClinGen allele CA16610445.

ClinVar aggregate classification (germline): Likely pathogenic (1 of 4 stars; one submission).

Conditions:
Dilated cardiomyopathy 1G (CMD1G). Identifiers: Orphanet 154, MedGen C1858763, MONDO:0011400, OMIM 604145.
Autosomal recessive limb-girdle muscular dystrophy type 2J (LGMDR10). Also called: Limb-girdle muscular dystrophy, type 2J; MUSCULAR DYSTROPHY, LIMB-GIRDLE, AUTOSOMAL RECESSIVE 10. Identifiers: Orphanet 140922, MedGen C1837342, MONDO:0012127, OMIM 608807.

Submission:

Labcorp Genetics (formerly Invitae), Labcorp
Classification: Likely pathogenic for Dilated cardiomyopathy 1G; Autosomal recessive limb-girdle muscular dystrophy type 2J. Last evaluated: 2022-03-18. Review status: criteria provided, single submitter. Criteria: Invitae Variant Classification Sherloc (09022015). Collection method: clinical testing. Allele origin: germline.
Comment: This sequence change creates a premature translational stop signal (p.Arg19705Thrfs*4) in the TTN gene. While this is not anticipated to result in nonsense mediated decay, it is expected to create a truncated TTN protein. In summary, the currently available evidence indicates that the variant is pathogenic, but additional data are needed to prove that conclusively. Therefore, this variant has been classified as Likely Pathogenic. This variant is located in the A band of TTN (PMID: 25589632). Truncating variants in this region are significantly overrepresented in patients affected with dilated cardiomyopathy (PMID: 25589632). Truncating variants in this region have also been reported in individuals affected with autosomal recessive centronuclear myopathy (PMID: 23975875). ClinVar contains an entry for this variant (Variation ID: 404916). This variant has not been reported in the literature in individuals affected with TTN-related conditions. This variant is not present in population databases (gnomAD no frequency).

Literature cited by the submitters: PubMed 25589632; PubMed 23975875.